The following is an entry in ClinVar:

NM_000057.4(BLM):c.3506C>T (p.Ala1169Val)

Gene: BLM (BLM RecQ like helicase; plus strand). Cytogenetic location: 15q26.1.
Variant type: single nucleotide variant.
Coding change: c.3506C>T on transcript NM_000057.4 (MANE Select); coding-DNA position 3506, C replaced by T.
Protein change: p.Ala1169Val; replaces alanine 1169 with valine.
Molecular consequence: missense variant. On other transcripts: intron variant (1).
Genome position (GRCh38, 1-based): chr15:90,803,668, C>T. VCF-style: chr15-90803668-C-T. GRCh37 (hg19) VCF-style: chr15-91346898-C-T.
Other names: c.3506C>T, p.Ala1169Val (NM_001287246.2); c.2381C>T, p.Ala794Val (NM_001287248.2); c.3358+5331C>T (NM_001287247.2); short protein forms A1169V, A794V.
Identifiers: ClinVar variation 1732115 (VCV001732115.5), dbSNP rs2505547587, ClinGen allele CA393847751.
Genomic context (GRCh38, chr15:90,803,668, plus strand): 5'-TGATACTTGACAAGATTTTGGATGAAGACTTATATATCAATGCCAATGACCAGGCGATCG[C>T]TTATGTGATGCTCGGAAATAAAGCCCAAACTGTACTAAATGGCAATTTAAAGGTATAGTA-3'
Protein context (NP_000048.1, residues 1159-1179): LYINANDQAI[Ala1169Val]YVMLGNKAQT

ClinVar aggregate classification (germline): Uncertain significance. Review status: criteria provided, multiple submitters, no conflicts (2 of 4 stars). 3 submissions from 3 submitters: Uncertain significance (3). Last evaluated 2025-07-22.

Conditions:
Hereditary cancer-predisposing syndrome. Also called: Neoplastic Syndromes, Hereditary; Tumor predisposition; Hereditary Cancer Syndrome; Hereditary neoplastic syndrome. Identifiers: Orphanet 140162, MedGen C0027672, MeSH D009386, MONDO:0015356.
Bloom syndrome (BLM). Also called: Bloom-Torre-Machacek syndrome. Identifiers: Orphanet 125, MedGen C0005859, MONDO:0008876, OMIM 210900.

Submissions (3):

Helix
Classification: Uncertain significance for Bloom syndrome. Last evaluated: 2025-07-22. Review status: criteria provided, single submitter. Criteria: ACMG Guidelines, 2015. Collection method: clinical testing. Allele origin: germline. Inheritance: Autosomal recessive inheritance.
Comment: This variant (NM_000057.4:c.3506C>T p.Ala1169Val) results in the substitution of alanine with valine at codon 1169 in the BLM protein. It is a rare variant that is absent from the large gnomAD population database (v4.1). To our knowledge, this variant has not been reported in individuals with BLM-related conditions. In silico prediction from REVEL (PMID: 27666373) is indeterminate. This variant is present in ClinVar (Accession: VCV001732115.4). In conclusion, since the available evidence is limited, the clinical significance of this variant is unclear at this time. Therefore, it is classified as a Variant of Uncertain Significance.

Ambry Genetics
Classification: Uncertain significance for Hereditary cancer-predisposing syndrome. Last evaluated: 2024-12-20. Review status: criteria provided, single submitter. Criteria: Ambry Variant Classification Scheme 2023. Collection method: clinical testing. Allele origin: germline.
Comment: The p.A1169V variant (also known as c.3506C>T), located in coding exon 17 of the BLM gene, results from a C to T substitution at nucleotide position 3506. The alanine at codon 1169 is replaced by valine, an amino acid with similar properties. This amino acid position is well conserved in available vertebrate species. In addition, this alteration is predicted to be tolerated by in silico analysis. Since supporting evidence is limited at this time, the clinical significance of this alteration remains unclear.

Labcorp Genetics (formerly Invitae), Labcorp
Classification: Uncertain significance for Bloom syndrome. Last evaluated: 2024-09-30. Review status: criteria provided, single submitter. Criteria: Invitae Variant Classification Sherloc (09022015). Collection method: clinical testing. Allele origin: germline.
Comment: This sequence change replaces alanine, which is neutral and non-polar, with valine, which is neutral and non-polar, at codon 1169 of the BLM protein (p.Ala1169Val). This variant is not present in population databases (gnomAD no frequency). This variant has not been reported in the literature in individuals affected with BLM-related conditions. ClinVar contains an entry for this variant (Variation ID: 1732115). Invitae Evidence Modeling of protein sequence and biophysical properties (such as structural, functional, and spatial information, amino acid conservation, physicochemical variation, residue mobility, and thermodynamic stability) indicates that this missense variant is not expected to disrupt BLM protein function with a negative predictive value of 80%. In summary, the available evidence is currently insufficient to determine the role of this variant in disease. Therefore, it has been classified as a Variant of Uncertain Significance.